The following is an entry in ClinVar:

NM_001244008.2(KIF1A):c.3170C>T (p.Ser1057Leu)

Gene: KIF1A (kinesin family member 1A; minus strand). Cytogenetic location: 2q37.3.
Variant type: single nucleotide variant.
Coding change: c.3170C>T on transcript NM_001244008.2 (MANE Select); coding-DNA position 3170, C replaced by T.
Protein change: p.Ser1057Leu; replaces serine 1057 with leucine.
Molecular consequence: missense variant.
Genome position (GRCh38, 1-based): chr2:240,746,071, G>A on the plus strand (C>T on the coding strand, the complement: KIF1A is on the minus strand). VCF-style: chr2-240746071-G-A. GRCh37 (hg19) VCF-style: chr2-241685488-G-A.
Other names: c.2894C>T, p.Ser965Leu (NM_001320705.2, NM_001330289.2, NM_001379638.1); c.2969C>T, p.Ser990Leu (NM_001330290.2, NM_001379634.1, NM_001379635.1 and 1 more transcripts); c.3245C>T, p.Ser1082Leu (NM_001379631.1); c.3119C>T, p.Ser1040Leu (NM_001379632.1); c.3143C>T, p.Ser1048Leu (NM_001379633.1, NM_001379642.1, NM_001379645.1); c.2867C>T, p.Ser956Leu (NM_001379636.1, NM_001379639.1, NM_001379640.1 and 6 more transcripts); c.2942C>T, p.Ser981Leu (NM_001379637.1, NM_001379648.1); short protein forms S1040L, S1048L, S956L, S1057L, S981L, S1082L, S965L, S990L.
Identifiers: ClinVar variation 4790106 (VCV004790106.1).
Genomic context (GRCh38, chr2:240,746,071, plus strand): 5'-CCCTGGGCAGCTGGGGTGGGCGACCCACCTGAACAGGTGTTGTTGTTGACTTCATCGGCT[G>A]AGGGCCCCACGTCTGCACCCTGGCCCTGGCCCTCCACGATGCGAAGCTCTTCCTGGGAGG-3'
Protein context (NP_001230937.1, residues 1047-1067): GQGQGADVGP[Ser1057Leu]ADEVNNNTCS

ClinVar aggregate classification (germline): Uncertain significance (1 of 4 stars; one submission).

Conditions:
Neuropathy, hereditary sensory, type 2C. Also called: KIF1A-Related HSAN2 (HSAN2C); Hereditary sensory and autonomic neuropathy type IIC. Identifiers: Orphanet 970, MedGen C3280168, MONDO:0013634, OMIM 614213.
Hereditary spastic paraplegia 30. Identifiers: Orphanet 101010, MedGen C5235139, MONDO:0012476.
Intellectual disability, autosomal dominant 9 (NESCAVS). Also called: KIF1A-Related Neurodevelopmental Disorder; NESCAV SYNDROME. Identifiers: Orphanet 662367, MedGen C5393830, MONDO:0013656, OMIM 614255.

Submission:

Labcorp Genetics (formerly Invitae), Labcorp
Classification: Uncertain significance for Hereditary spastic paraplegia 30; Neuropathy, hereditary sensory, type 2C; Intellectual disability, autosomal dominant 9. Last evaluated: 2025-10-21. Review status: criteria provided, single submitter. Criteria: Invitae Variant Classification Sherloc (09022015). Collection method: clinical testing. Allele origin: germline.
Comment: This sequence change replaces serine, which is neutral and polar, with leucine, which is neutral and non-polar, at codon 956 of the KIF1A protein (p.Ser956Leu). This variant is not present in population databases (gnomAD no frequency). This variant has not been reported in the literature in individuals affected with KIF1A-related conditions. Invitae Evidence Modeling of protein sequence and biophysical properties (such as structural, functional, and spatial information, amino acid conservation, physicochemical variation, residue mobility, and thermodynamic stability) has been performed for this missense variant. However, the output from this modeling did not meet the statistical confidence thresholds required to predict the impact of this variant on KIF1A protein function. In summary, the available evidence is currently insufficient to determine the role of this variant in disease. Therefore, it has been classified as a Variant of Uncertain Significance.